The following is an entry in ClinVar:

NM_006005.3(WFS1):c.1429A>C (p.Asn477His)

Gene: WFS1 (wolframin ER transmembrane glycoprotein; plus strand). Cytogenetic location: 4p16.1.
Variant type: single nucleotide variant.
Coding change: c.1429A>C on transcript NM_006005.3 (MANE Select); coding-DNA position 1429, A replaced by C.
Protein change: p.Asn477His; replaces asparagine 477 with histidine.
Molecular consequence: missense variant.
Genome position (GRCh38, 1-based): chr4:6,301,224, A>C. VCF-style: chr4-6301224-A-C. GRCh37 (hg19) VCF-style: chr4-6302951-A-C.
Other names: c.1429A>C, p.Asn477His (NM_001145853.1); short protein forms N477H.
Identifiers: ClinVar variation 1441387 (VCV001441387.7), dbSNP rs2109125891, ClinGen allele CA356174908.
Genomic context (GRCh38, chr4:6,301,224, plus strand): 5'-AGGGCCCTGGCCACCGAGGTCACCGCCGGCCTGCTATCGCTGCTGCCCTCCATGCCCTTG[A>C]ATTGGCCCTACCTGAAGGTCCTTGGCCAGACCTTCATCACCGTGCCTGTCGGCCACCTGG-3'
Protein context (NP_005996.2, residues 467-487): LLSLLPSMPL[Asn477His]WPYLKVLGQT

ClinVar aggregate classification (germline): Uncertain significance. Review status: criteria provided, multiple submitters, no conflicts (2 of 4 stars). 2 submissions from 2 submitters: Uncertain significance (2). Last evaluated 2024-10-25.

Submissions (2):

Labcorp Genetics (formerly Invitae), Labcorp
Classification: Uncertain significance. Last evaluated: 2024-10-25. Review status: criteria provided, single submitter. Criteria: Invitae Variant Classification Sherloc (09022015). Collection method: clinical testing. Allele origin: germline.
Comment: This sequence change replaces asparagine, which is neutral and polar, with histidine, which is basic and polar, at codon 477 of the WFS1 protein (p.Asn477His). This variant is not present in population databases (gnomAD no frequency). This variant has not been reported in the literature in individuals affected with WFS1-related conditions. ClinVar contains an entry for this variant (Variation ID: 1441387). Invitae Evidence Modeling of protein sequence and biophysical properties (such as structural, functional, and spatial information, amino acid conservation, physicochemical variation, residue mobility, and thermodynamic stability) indicates that this missense variant is not expected to disrupt WFS1 protein function with a negative predictive value of 95%. In summary, the available evidence is currently insufficient to determine the role of this variant in disease. Therefore, it has been classified as a Variant of Uncertain Significance.

GeneDx
Classification: Uncertain significance. Last evaluated: 2023-12-05. Review status: criteria provided, single submitter. Criteria: GeneDx Variant Classification Process June 2021. Collection method: clinical testing. Allele origin: germline. Affected: yes.
Comment: Not observed at significant frequency in large population cohorts (gnomAD); In silico analysis supports that this missense variant does not alter protein structure/function; Has not been previously published as pathogenic or benign to our knowledge